The following is an entry in ClinVar:

NM_003482.4(KMT2D):c.11796_11813del (p.Gln3934_Gln3939del)

Gene: KMT2D (lysine methyltransferase 2D; minus strand). Cytogenetic location: 12q13.12.
Variant type: Deletion.
Coding change: c.11796_11813del on transcript NM_003482.4 (MANE Select); coding-DNA positions 11796 to 11813, 18 bases deleted (ACAGCAGCAACAGCAGCA).
Protein change: p.Gln3934_Gln3939del.
Molecular consequence: inframe deletion.
Genome position (GRCh38, 1-based): chr12:49,032,892-49,032,909, TGCTGCTGTTGCTGCTGT deleted on the plus strand (ACAGCAGCAACAGCAGCA on the coding strand, the reverse complement: KMT2D is on the minus strand); deleting any 18 consecutive bases within chr12:49,032,892-49,032,911 gives the same sequence; the c. name uses the placement nearest the transcript's 3' end. VCF-style (leftmost placement, unchanged base first): chr12-49032891-CTGCTGCTGTTGCTGCTGT-C. GRCh37 (hg19) VCF-style: chr12-49426674-CTGCTGCTGTTGCTGCTGT-C.
Other names: c.11796_11813delACAGCAGCAACAGCAGCA (NM_003482.3).
Identifiers: ClinVar variation 183376 (VCV000183376.5), dbSNP rs759803583, ClinGen allele CA274869.
Genomic context (GRCh38, chr12:49,032,891, plus strand): 5'-TTGCTGTTGTAGCTGCTGTTGCTGCTGTTGAAGCTGTTGCTGCTGCTGTTGTTGAAGCTG[CTGCTGCTGTTGCTGCTGT>C]TGAAGCTGTTGCTGCTGAAGTTGCTGTTGCTGTTGTAGCTGCTGCTGCTGCTGCTGCTGA-3'

ClinVar aggregate classification (germline): Uncertain significance. Review status: criteria provided, multiple submitters, no conflicts (2 of 4 stars). 4 submissions from 4 submitters: Uncertain significance (3). 1 of the submissions does not count toward it. Last evaluated 2024-06-18.

Conditions:
Kabuki syndrome 1 (KABUK1). Also called: KMT2D-Related Kabuki Syndrome. Identifiers: Orphanet 2322, MedGen CN030661, MONDO:0007843, OMIM 147920.
Choanal atresia-athelia-hypothyroidism-delayed puberty-short stature syndrome (BCAHH). Also called: BRANCHIAL ARCH ABNORMALITIES, CHOANAL ATRESIA, ATHELIA, HEARING LOSS, AND HYPOTHYROIDISM SYNDROME. Identifiers: Orphanet 589856, MedGen C5680310, MONDO:0035651, OMIM 620186.

Submissions (4):

Fulgent Genetics
Classification: Uncertain significance for Kabuki syndrome 1; Choanal atresia-athelia-hypothyroidism-delayed puberty-short stature syndrome. Last evaluated: 2024-06-18. Review status: criteria provided, single submitter. Criteria: ACMG Guidelines, 2015. Collection method: clinical testing. Allele origin: germline.

Mendelics
Classification: Uncertain significance. Last evaluated: 2022-05-04. Review status: criteria provided, single submitter. Criteria: Mendelics Assertion Criteria 2019. Collection method: clinical testing. Allele origin: germline.

GeneDx
Classification: Uncertain significance. Last evaluated: 2019-09-26. Review status: criteria provided, single submitter. Criteria: GeneDx Variant Classification Process June 2021. Collection method: clinical testing. Allele origin: germline. Affected: yes.
Comment: Reported in an individual with a clinical diagnosis of Kabuki syndrome (Van Laarhoven et al., 2015); In-frame deletion of 6 amino acids in a non-repeat region; In silico analysis, which includes protein predictors and evolutionary conservation, supports that this variant does not alter protein structure/function; This variant is associated with the following publications: (PMID: 25972376)

Shaikh Laboratory, University of Colorado
Classification: Likely pathogenic for Kabuki make-up syndrome. Last evaluated: 2015-02-04. Review status: no assertion criteria provided. Criteria: research. Collection method: research. Allele origin: unknown. Affected: yes. Not counted in ClinVar's aggregate classification.

Literature cited by the submitters: PubMed 25972376 (cited by Shaikh Laboratory, University of Colorado).